The following is an entry in ClinVar:

ClinVar aggregate classification (germline): Uncertain significance (1 of 4 stars; one submission).

Conditions:
Intellectual developmental disorder, X-linked, syndromic, Billuart type. Also called: MENTAL RETARDATION, X-LINKED 60; X-linked intellectual disability-cerebellar hypoplasia syndrome. Identifiers: Orphanet 137831, MedGen C1845366, MONDO:0010337, OMIM 300486.

Submission:

Neuberg Centre For Genomic Medicine, NCGM
Classification: Uncertain significance for Intellectual developmental disorder, X-linked, syndromic, Billuart type. Last evaluated: 2023-06-02. Review status: criteria provided, single submitter. Criteria: ACMG Guidelines, 2015. Collection method: clinical testing. Allele origin: germline. Inheritance: Autosomal recessive inheritance. Affected: yes.
Comment: The observed missense variant c.439C>G(p.Arg147Gly) in OPHN1 gene has not been reported previously as a pathogenic variant nor as a benign variant, to our knowledge. The c.439C>G variant is absent in gnomAD Exomes. The amino acid Arginine at position 147 is changed to a Glycine changing protein sequence and it might alter its composition and physico-chemical properties. Multiple lines of computational evidence (Polyphen-probabaly damaging, SIFT-damaging and Mutation Taster-disease causing) predict a damaging effect on protein structure and function for this variant. The reference amino acid p.Arg147Gly in OPHN1 is predicted as conserved by GERP++ and PhyloP across 100 vertebrates. For these reasons, this variant has been classified as Uncertain Significance.

NM_002547.3(OPHN1):c.439C>G (p.Arg147Gly)

Gene: OPHN1 (oligophrenin 1; minus strand). Cytogenetic location: Xq12.
Variant type: single nucleotide variant.
Coding change: c.439C>G on transcript NM_002547.3 (MANE Select); coding-DNA position 439, C replaced by G.
Protein change: p.Arg147Gly; replaces arginine 147 with glycine.
Molecular consequence: missense variant.
Genome position (GRCh38, 1-based): chrX:68,234,534, G>C on the plus strand (C>G on the coding strand, the complement: OPHN1 is on the minus strand). VCF-style: chrX-68234534-G-C. GRCh37 (hg19) VCF-style: chrX-67454376-G-C.
Other names: short protein forms R147G.
Identifiers: ClinVar variation 3362263 (VCV003362263.3).
Genomic context (GRCh38, chrX:68,234,534, plus strand): 5'-TTTGTGAACATACCTCTTGTAACTGAGATTCTTTCTTTTTTGAAGACAGGTGTAAGTGCC[G>C]ATCCAGTAAAGAATAAAACCTCTCACCATCCTTTTCAAATTTCTTTTTCCGCTCCTAAAG-3'
Protein context (NP_002538.1, residues 137-157): DGERFYSLLD[Arg147Gly]HLHLSSKKKE